The following is an entry in ClinVar:

NM_001267550.2(TTN):c.88009+22G>T

Genes: TTN (titin; minus strand), TTN-AS1 (TTN antisense RNA 1; plus strand). Cytogenetic location: 2q31.2.
Variant type: single nucleotide variant.
Coding change: c.88009+22G>T on transcript NM_001267550.2 (MANE Select); 22 bases into the intron after coding-DNA position 88009, G replaced by T.
Molecular consequence: intron variant.
Genome position (GRCh38, 1-based): chr2:178,557,231, C>A on the plus strand (G>T on the coding strand, the complement: TTN is on the minus strand). VCF-style: chr2-178557231-C-A. GRCh37 (hg19) VCF-style: chr2-179421958-C-A.
Other names: c.60814+22G>T (NM_003319.4); c.61390+22G>T (NM_133437.4); c.61189+22G>T (NM_133432.3); c.80305+22G>T (NM_133378.4); c.83086+22G>T (NM_001256850.1).
Identifiers: ClinVar variation 675432 (VCV000675432.2), dbSNP rs72648232, ClinGen allele CA1988230.

ClinVar aggregate classification (germline): Benign. Review status: criteria provided, multiple submitters, no conflicts (2 of 4 stars). 2 submissions from 2 submitters: Benign (2). Last evaluated 2018-06-14.

Allele frequency attached by ClinVar (database versions not stated): gnomAD exomes 0.00459; ExAC 0.00552; 1000 Genomes Project 0.01637; 1000 Genomes Project 30x 0.01655; gnomAD 0.01829 and 0.01987; ESP Exome Variant Server 0.02103; TOPMed 0.02128.
gnomAD v4.1: 5,503 of 1,613,598 alleles (0.34%); highest among the groups gnomAD compares: African/African-American, 6.5%; 177 homozygotes.

Submissions (2):

GeneDx
Classification: Benign. Last evaluated: 2018-06-14. Review status: criteria provided, single submitter. Criteria: GeneDx Variant Classification (06012015). Collection method: clinical testing. Allele origin: germline. Affected: yes.
Comment: This variant is considered likely benign or benign based on one or more of the following criteria: it is a conservative change, it occurs at a poorly conserved position in the protein, it is predicted to be benign by multiple in silico algorithms, and/or has population frequency not consistent with disease.

Breakthrough Genomics
Classification: Benign. Review status: criteria provided, single submitter. Criteria: ACMG Guidelines, 2015. Collection method: not provided. Allele origin: germline. Inheritance: Autosomal recessive inheritance. Affected: yes.